The following is an entry in ClinVar:

NM_001943.5(DSG2):c.2184A>G (p.Arg728=)

Genes: DSG2 (desmoglein 2; plus strand), DSG2-AS1 (DSG2 antisense RNA 1; minus strand). Cytogenetic location: 18q12.1.
Variant type: single nucleotide variant.
Coding change: c.2184A>G on transcript NM_001943.5 (MANE Select); coding-DNA position 2184, A replaced by G.
Protein change: p.Arg728=; no amino-acid change (arginine 728 retained).
Molecular consequence: synonymous variant.
Genome position (GRCh38, 1-based): chr18:31,542,702, A>G. VCF-style: chr18-31542702-A-G. GRCh37 (hg19) VCF-style: chr18-29122665-A-G.
Identifiers: ClinVar variation 4757009 (VCV004757009.1).
Genomic context (GRCh38, chr18:31,542,702, plus strand): 5'-ACATGAGATGTCCGAGATGGATGGAAGGTGGGAAGAACACAGAAGCCTGCTTTCTGGTAG[A>G]GCTACCCAGTTTACAGGGGCCACAGGCGCTATCATGACCACTGAAACCACGAAGACCGCA-3'
Protein context (NP_001934.2, residues 718-738): WEEHRSLLSG[Arg728=]ATQFTGATGA

ClinVar aggregate classification (germline): Uncertain significance (1 of 4 stars; one submission).

Conditions:
Cardiomyopathy (CMYO). Also called: Cardiomyopathies. Identifiers: Orphanet 167848, MedGen C0878544, MONDO:0004994, HP:0001638. Inheritance: Various modes of inheritance.

Submission:

Color Diagnostics, LLC DBA Color Health
Classification: Uncertain significance for Cardiomyopathy. Last evaluated: 2025-06-09. Review status: criteria provided, single submitter. Criteria: ACMG Guidelines, 2015. Collection method: clinical testing. Allele origin: germline.
Comment: This variant is located in the DSG2 protein. To our knowledge, functional studies have not been reported for this variant. This variant has not been reported in individuals affected with DSG2-related disorders in the literature. This variant has not been identified in the general population by the Genome Aggregation Database (gnomAD). The available evidence is insufficient to determine the role of this variant in disease conclusively. Therefore, this variant is classified as a Variant of Uncertain Significance.